The following is an entry in ClinVar:

NM_052844.4(DYNC2I2):c.1264A>G (p.Met422Val)

Gene: DYNC2I2 (dynein 2 intermediate chain 2; minus strand). Cytogenetic location: 9q34.11.
Variant type: single nucleotide variant.
Coding change: c.1264A>G on transcript NM_052844.4 (MANE Select); coding-DNA position 1264, A replaced by G.
Protein change: p.Met422Val; replaces methionine 422 with valine.
Molecular consequence: missense variant.
Genome position (GRCh38, 1-based): chr9:128,634,334, T>C on the plus strand (A>G on the coding strand, the complement: DYNC2I2 is on the minus strand). VCF-style: chr9-128634334-T-C. GRCh37 (hg19) VCF-style: chr9-131396613-T-C.
Other names: c.1264A>G (NM_052844.3); short protein forms M422V.
Identifiers: ClinVar variation 2092961 (VCV002092961.3), dbSNP rs940906211, ClinGen allele CA200417657.

ClinVar aggregate classification (germline): Uncertain significance. Review status: criteria provided, multiple submitters, no conflicts (2 of 4 stars). 2 submissions from 2 submitters: Uncertain significance (2). Last evaluated 2025-12-04.

Conditions:
Short-rib thoracic dysplasia 11 with or without polydactyly (SRTD11). Also called: SHORT-RIB THORACIC DYSPLASIA 11 WITHOUT POLYDACTYLY. Identifiers: Orphanet 474, Orphanet 93271, MedGen C3810200, MONDO:0014287, OMIM 615633.
Inborn genetic diseases. Identifiers: MedGen C0950123, MeSH D030342.

Allele frequency attached by ClinVar (database versions not stated): gnomAD exomes below 0.00001; gnomAD 0.00001.

Submissions (2):

Ambry Genetics
Classification: Uncertain significance for Inborn genetic diseases. Last evaluated: 2025-12-04. Review status: criteria provided, single submitter. Criteria: Ambry Variant Classification Scheme 2023. Collection method: clinical testing. Allele origin: germline.

Labcorp Genetics (formerly Invitae), Labcorp
Classification: Uncertain significance for Short-rib thoracic dysplasia 11 with or without polydactyly. Last evaluated: 2022-08-19. Review status: criteria provided, single submitter. Criteria: Invitae Variant Classification Sherloc (09022015). Collection method: clinical testing. Allele origin: germline.
Comment: In summary, the available evidence is currently insufficient to determine the role of this variant in disease. Therefore, it has been classified as a Variant of Uncertain Significance. Algorithms developed to predict the effect of missense changes on protein structure and function output the following: SIFT: "Tolerated"; PolyPhen-2: "Benign"; Align-GVGD: "Class C0". The valine amino acid residue is found in multiple mammalian species, which suggests that this missense change does not adversely affect protein function. This variant has not been reported in the literature in individuals affected with WDR34-related conditions. This variant is not present in population databases (gnomAD no frequency). This sequence change replaces methionine, which is neutral and non-polar, with valine, which is neutral and non-polar, at codon 422 of the WDR34 protein (p.Met422Val).